The following is an entry in ClinVar:

NM_032383.5(HPS3):c.1746G>T (p.Leu582Phe)

Gene: HPS3 (HPS3 biogenesis of lysosomal organelles complex 2 subunit 1; plus strand). Cytogenetic location: 3q24.
Variant type: single nucleotide variant.
Coding change: c.1746G>T on transcript NM_032383.5 (MANE Select); coding-DNA position 1746, G replaced by T.
Protein change: p.Leu582Phe; replaces leucine 582 with phenylalanine.
Molecular consequence: missense variant.
Genome position (GRCh38, 1-based): chr3:149,158,720, G>T. VCF-style: chr3-149158720-G-T. GRCh37 (hg19) VCF-style: chr3-148876507-G-T.
Other names: c.1251G>T, p.Leu417Phe (NM_001308258.2); short protein forms L417F, L582F.
Identifiers: ClinVar variation 1466086 (VCV001466086.4), dbSNP rs557369434, ClinGen allele CA2660167.

ClinVar aggregate classification (germline): Uncertain significance (1 of 4 stars; one submission).

Allele frequency attached by ClinVar (database versions not stated): gnomAD 0.00001; TOPMed 0.00002; 1000 Genomes Project 0.00020; 1000 Genomes Project 30x 0.00031.
gnomAD v4.1: 6 of 1,613,746 alleles (0.00037%); highest among the groups gnomAD compares: Admixed American, 0.01%; no homozygotes.

Submission:

Labcorp Genetics (formerly Invitae), Labcorp
Classification: Uncertain significance. Last evaluated: 2025-11-24. Review status: criteria provided, single submitter. Criteria: Invitae Variant Classification Sherloc (09022015). Collection method: clinical testing. Allele origin: germline.
Comment: This sequence change replaces leucine, which is neutral and non-polar, with phenylalanine, which is neutral and non-polar, at codon 582 of the HPS3 protein (p.Leu582Phe). This variant is present in population databases (rs557369434, gnomAD 0.01%). This variant has not been reported in the literature in individuals affected with HPS3-related conditions. ClinVar contains an entry for this variant (Variation ID: 1466086). Invitae Evidence Modeling of protein sequence and biophysical properties (such as structural, functional, and spatial information, amino acid conservation, physicochemical variation, residue mobility, and thermodynamic stability) indicates that this missense variant is expected to disrupt HPS3 protein function with a positive predictive value of 80%. In summary, the available evidence is currently insufficient to determine the role of this variant in disease. Therefore, it has been classified as a Variant of Uncertain Significance.